The following is an entry in ClinVar:

NM_000264.5(PTCH1):c.326T>C (p.Phe109Ser)

Gene: PTCH1 (patched 1; minus strand). Cytogenetic location: 9q22.32.
Variant type: single nucleotide variant.
Coding change: c.326T>C on transcript NM_000264.5 (MANE Select); coding-DNA position 326, T replaced by C.
Protein change: p.Phe109Ser; replaces phenylalanine 109 with serine.
Molecular consequence: missense variant. On other transcripts: 5 prime UTR variant (4), non-coding transcript variant (1).
Genome position (GRCh38, 1-based): chr9:95,506,475, A>G on the plus strand (T>C on the coding strand, the complement: PTCH1 is on the minus strand). VCF-style: chr9-95506475-A-G. GRCh37 (hg19) VCF-style: chr9-98268757-A-G.
Other names: c.323T>C, p.Phe108Ser (NM_001083603.3); c.-128T>C (NM_001083604.3, NM_001083605.3, NM_001083606.3 and 1 more transcripts); c.326T>C, p.Phe109Ser (NM_001354918.2); c.128T>C, p.Phe43Ser (NM_001354919.2, NM_001083602.3); short protein forms F108S, F43S, F109S.
Identifiers: ClinVar variation 649551 (VCV000649551.13), dbSNP rs1587693269, ClinGen allele CA374120273.

ClinVar aggregate classification (germline): Uncertain significance. Review status: criteria provided, multiple submitters, no conflicts (2 of 4 stars). 2 submissions from 2 submitters: Uncertain significance (2). Last evaluated 2026-07-29.

Conditions:
Hereditary cancer-predisposing syndrome. Also called: Neoplastic Syndromes, Hereditary; Hereditary Cancer Syndrome; Hereditary neoplastic syndrome; Tumor predisposition. Identifiers: Orphanet 140162, MedGen C0027672, MeSH D009386, MONDO:0015356.
Gorlin syndrome. Also called: Nevoid Basal Cell Carcinoma Syndrome; Basal cell nevus syndrome. Identifiers: Orphanet 377, MedGen C0004779, MONDO:0007187.

Submissions (2):

Ambry Genetics
Classification: Uncertain significance for Hereditary cancer-predisposing syndrome. Last evaluated: 2026-07-29. Review status: criteria provided, single submitter. Criteria: Ambry Variant Classification Scheme 2023. Collection method: clinical testing. Allele origin: germline.
Comment: The p.F109S variant (also known as c.326T>C), located in coding exon 2 of the PTCH1 gene, results from a T to C substitution at nucleotide position 326. The phenylalanine at codon 109 is replaced by serine, an amino acid with highly dissimilar properties. This amino acid position is highly conserved in available vertebrate species. In addition, this alteration is predicted to be deleterious by in silico analysis. Based on the available evidence, the clinical significance of this variant remains unclear.

Labcorp Genetics (formerly Invitae), Labcorp
Classification: Uncertain significance for Gorlin syndrome. Last evaluated: 2025-05-27. Review status: criteria provided, single submitter. Criteria: Invitae Variant Classification Sherloc (09022015). Collection method: clinical testing. Allele origin: germline.
Comment: This sequence change replaces phenylalanine, which is neutral and non-polar, with serine, which is neutral and polar, at codon 109 of the PTCH1 protein (p.Phe109Ser). This variant is not present in population databases (gnomAD no frequency). This variant has not been reported in the literature in individuals affected with PTCH1-related conditions. ClinVar contains an entry for this variant (Variation ID: 649551). Invitae Evidence Modeling of protein sequence and biophysical properties (such as structural, functional, and spatial information, amino acid conservation, physicochemical variation, residue mobility, and thermodynamic stability) has been performed for this missense variant. However, the output from this modeling did not meet the statistical confidence thresholds required to predict the impact of this variant on PTCH1 protein function. In summary, the available evidence is currently insufficient to determine the role of this variant in disease. Therefore, it has been classified as a Variant of Uncertain Significance.